The following is an entry in ClinVar:

NM_017677.4(MTMR8):c.130G>A (p.Ala44Thr)

Gene: MTMR8 (myotubularin related protein 8; minus strand). Cytogenetic location: Xq11.2.
Variant type: single nucleotide variant.
Coding change: c.130G>A on transcript NM_017677.4 (MANE Select); coding-DNA position 130, G replaced by A.
Protein change: p.Ala44Thr; replaces alanine 44 with threonine.
Molecular consequence: missense variant.
Genome position (GRCh38, 1-based): chrX:64,359,422, C>T on the plus strand (G>A on the coding strand, the complement: MTMR8 is on the minus strand). VCF-style: chrX-64359422-C-T. GRCh37 (hg19) VCF-style: chrX-63579302-C-T.
Other names: short protein forms A44T.
Identifiers: ClinVar variation 3057750 (VCV003057750.2), dbSNP rs184524117, ClinGen allele CA10433291.
Genomic context (GRCh38, chrX:64,359,422, plus strand): 5'-ACAACTCTTTAAGACTCTTTGATACTTCTTCTCATGAACATACCCATGTTTCTTTCCGGG[C>T]TGCACCTGAAGCCTCCACATAGATCAGGTGGGTTGCAGTAAGATAAAGAATCCCATTAGC-3'
Protein context (NP_060147.2, residues 34-54): HLIYVEASGA[Ala44Thr]RKETWIALHH

ClinVar aggregate classification (germline): Likely benign (0 of 4 stars; one submission).

Conditions:
MTMR8-related disorder. Also called: MTMR8-related condition.

Allele frequency attached by ClinVar (database versions not stated): gnomAD exomes 0.00037; ExAC 0.00048; 1000 Genomes Project 30x 0.00062; gnomAD 0.00069; 1000 Genomes Project 0.00079; TOPMed 0.00085.

Submission:

PreventionGenetics, part of Exact Sciences
Classification: Likely benign for MTMR8-related condition. Last evaluated: 2022-03-09. Review status: no assertion criteria provided. Collection method: clinical testing. Allele origin: germline.
Comment: This variant is classified as likely benign based on ACMG/AMP sequence variant interpretation guidelines (Richards et al. 2015 PMID: 25741868, with internal and published modifications).